The following is an entry in ClinVar:

NM_182916.3(TRNT1):c.545G>C (p.Arg182Thr)

Gene: TRNT1 (tRNA nucleotidyl transferase 1; plus strand). Cytogenetic location: 3p26.2.
Variant type: single nucleotide variant.
Coding change: c.545G>C on transcript NM_182916.3 (MANE Select); coding-DNA position 545, G replaced by C.
Protein change: p.Arg182Thr; replaces arginine 182 with threonine.
Molecular consequence: missense variant. On other transcripts: non-coding transcript variant (8).
Genome position (GRCh38, 1-based): chr3:3,144,647, G>C. VCF-style: chr3-3144647-G-C. GRCh37 (hg19) VCF-style: chr3-3186331-G-C.
Other names: c.545G>C, p.Arg182Thr (NM_001302946.2, NM_001367321.1, NM_001367322.1 and 1 more transcripts); short protein forms R182T.
Identifiers: ClinVar variation 2130053 (VCV002130053.4), dbSNP rs1215520219, ClinGen allele CA351445184.

ClinVar aggregate classification (germline): Uncertain significance (1 of 4 stars; one submission).

Conditions:
Congenital sideroblastic anemia-B-cell immunodeficiency-periodic fever-developmental delay syndrome. Also called: Sideroblastic anemia with B-cell immunodeficiency, periodic fevers, and developmental delay. Identifiers: Orphanet 369861, MedGen C4015172, MONDO:0014487, OMIM 616084.

Submission:

Labcorp Genetics (formerly Invitae), Labcorp
Classification: Uncertain significance for Congenital sideroblastic anemia-B-cell immunodeficiency-periodic fever-developmental delay syndrome. Last evaluated: 2022-04-24. Review status: criteria provided, single submitter. Criteria: Invitae Variant Classification Sherloc (09022015). Collection method: clinical testing. Allele origin: germline.
Comment: In summary, the available evidence is currently insufficient to determine the role of this variant in disease. Therefore, it has been classified as a Variant of Uncertain Significance. Algorithms developed to predict the effect of missense changes on protein structure and function (SIFT, PolyPhen-2, Align-GVGD) all suggest that this variant is likely to be tolerated. This variant has not been reported in the literature in individuals affected with TRNT1-related conditions. This variant is not present in population databases (gnomAD no frequency). This sequence change replaces arginine, which is basic and polar, with threonine, which is neutral and polar, at codon 182 of the TRNT1 protein (p.Arg182Thr).